The following is an entry in ClinVar:

ClinVar aggregate classification (germline): Uncertain significance (1 of 4 stars; one submission).

Conditions:
Familial encephalopathy with neuroserpin inclusion bodies. Also called: ENCEPHALOPATHY, FAMILIAL, WITH COLLINS BODIES. Identifiers: Orphanet 85110, MedGen C1858680, MONDO:0011412, OMIM 604218.

Submission:

Labcorp Genetics (formerly Invitae), Labcorp
Classification: Uncertain significance for Familial encephalopathy with neuroserpin inclusion bodies. Last evaluated: 2021-11-18. Review status: criteria provided, single submitter. Criteria: Invitae Variant Classification Sherloc (09022015). Collection method: clinical testing. Allele origin: germline.
Comment: In summary, the available evidence is currently insufficient to determine the role of this variant in disease. Therefore, it has been classified as a Variant of Uncertain Significance. Algorithms developed to predict the effect of missense changes on protein structure and function (SIFT, PolyPhen-2, Align-GVGD) all suggest that this variant is likely to be disruptive. This variant has not been reported in the literature in individuals affected with SERPINI1-related conditions. This variant is not present in population databases (gnomAD no frequency). This sequence change replaces isoleucine, which is neutral and non-polar, with threonine, which is neutral and polar, at codon 244 of the SERPINI1 protein (p.Ile244Thr).

NM_001122752.2(SERPINI1):c.731T>C (p.Ile244Thr)

Gene: SERPINI1 (serpin family I member 1; plus strand). Cytogenetic location: 3q26.1.
Variant type: single nucleotide variant.
Coding change: c.731T>C on transcript NM_001122752.2 (MANE Select); coding-DNA position 731, T replaced by C.
Protein change: p.Ile244Thr; replaces isoleucine 244 with threonine.
Molecular consequence: missense variant.
Genome position (GRCh38, 1-based): chr3:167,794,674, T>C. VCF-style: chr3-167794674-T-C. GRCh37 (hg19) VCF-style: chr3-167512462-T-C.
Other names: c.731T>C, p.Ile244Thr (NM_005025.5); short protein forms I244T.
Identifiers: ClinVar variation 1425159 (VCV001425159.6), dbSNP rs2108559866, ClinGen allele CA355157011.